The following is an entry in ClinVar:

ClinVar aggregate classification (germline): Pathogenic (1 of 4 stars; one submission).

Conditions:
Aicardi-Goutieres syndrome 6 (AGS6). Identifiers: Orphanet 51, MedGen C3539013, MONDO:0014007, OMIM 615010.
Symmetrical dyschromatosis of extremities (DSH). Also called: Dyschromatosis symmetrica hereditaria; DYSCHROMATOSIS SYMMETRICA HEREDITARIA 1; RETICULATE ACROPIGMENTATION OF DOHI; SYMMETRIC DYSCHROMATOSIS OF THE EXTREMITIES. Identifiers: Orphanet 41, MedGen C0406775, MONDO:0007483, OMIM 127400.

Submission:

Labcorp Genetics (formerly Invitae), Labcorp
Classification: Pathogenic for Aicardi-Goutieres syndrome 6; Symmetrical dyschromatosis of extremities. Last evaluated: 2026-01-25. Review status: criteria provided, single submitter. Criteria: Invitae Variant Classification Sherloc (09022015). Collection method: clinical testing. Allele origin: germline.
Comment: This sequence change replaces glycine, which is neutral and non-polar, with aspartic acid, which is acidic and polar, at codon 1047 of the ADAR protein (p.Gly1047Asp). This variant is not present in population databases (gnomAD no frequency). This missense change has been observed in individual(s) with autosomal dominant dyschromatosis symmetrica hereditaria (PMID: 24446047). It has also been observed to segregate with disease in related individuals. Invitae Evidence Modeling of protein sequence and biophysical properties (such as structural, functional, and spatial information, amino acid conservation, physicochemical variation, residue mobility, and thermodynamic stability) has been performed for this missense variant. However, the output from this modeling did not meet the statistical confidence thresholds required to predict the impact of this variant on ADAR protein function. For these reasons, this variant has been classified as Pathogenic.

Literature cited by the submitters: PubMed 24446047.

NM_001111.5(ADAR):c.3140G>A (p.Gly1047Asp)

Gene: ADAR (adenosine deaminase RNA specific; minus strand). Cytogenetic location: 1q21.3.
Variant type: single nucleotide variant.
Coding change: c.3140G>A on transcript NM_001111.5 (MANE Select); coding-DNA position 3140, G replaced by A.
Protein change: p.Gly1047Asp; replaces glycine 1047 with aspartic acid.
Molecular consequence: missense variant.
Genome position (GRCh38, 1-based): chr1:154,586,243, C>T on the plus strand (G>A on the coding strand, the complement: ADAR is on the minus strand). VCF-style: chr1-154586243-C-T. GRCh37 (hg19) VCF-style: chr1-154558719-C-T.
Other names: c.2255G>A, p.Gly752Asp (NM_001025107.3, NM_001193495.2, NM_001365046.1 and 2 more transcripts); c.3167G>A, p.Gly1056Asp (NM_001365045.1); c.2177G>A, p.Gly726Asp (NM_001365049.1); c.3062G>A, p.Gly1021Asp (NM_015840.4); c.3005G>A, p.Gly1002Asp (NM_015841.4); short protein forms G1002D, G1056D, G752D, G726D, G1021D, G1047D.
Identifiers: ClinVar variation 4783517 (VCV004783517.1).